The following is an entry in ClinVar:

ClinVar aggregate classification (germline): Uncertain significance (1 of 4 stars; one submission).

Submission:

Labcorp Genetics (formerly Invitae), Labcorp
Classification: Uncertain significance. Last evaluated: 2021-12-21. Review status: criteria provided, single submitter. Criteria: Invitae Variant Classification Sherloc (09022015). Collection method: clinical testing. Allele origin: germline.
Comment: This sequence change replaces aspartic acid, which is acidic and polar, with asparagine, which is neutral and polar, at codon 605 of the NALCN protein (p.Asp605Asn). This variant is not present in population databases (gnomAD no frequency). This variant has not been reported in the literature in individuals affected with NALCN-related conditions. Advanced modeling of protein sequence and biophysical properties (such as structural, functional, and spatial information, amino acid conservation, physicochemical variation, residue mobility, and thermodynamic stability) performed at Invitae indicates that this missense variant is not expected to disrupt NALCN protein function. In summary, the available evidence is currently insufficient to determine the role of this variant in disease. Therefore, it has been classified as a Variant of Uncertain Significance.

NM_052867.4(NALCN):c.1813G>A (p.Asp605Asn)

Gene: NALCN (sodium leak channel, non-selective; minus strand). Cytogenetic location: 13q33.1.
Variant type: single nucleotide variant.
Coding change: c.1813G>A on transcript NM_052867.4 (MANE Select); coding-DNA position 1813, G replaced by A.
Protein change: p.Asp605Asn; replaces aspartic acid 605 with asparagine.
Molecular consequence: missense variant.
Genome position (GRCh38, 1-based): chr13:101,176,326, C>T on the plus strand (G>A on the coding strand, the complement: NALCN is on the minus strand). VCF-style: chr13-101176326-C-T. GRCh37 (hg19) VCF-style: chr13-101828677-C-T.
Other names: c.1813G>A, p.Asp605Asn (NM_001350748.2, NM_001350749.2); c.1726G>A, p.Asp576Asn (NM_001350750.2, NM_001350751.2); short protein forms D605N, D576N.
Identifiers: ClinVar variation 1487336 (VCV001487336.6), dbSNP rs2139938598, ClinGen allele CA388702853.